The following is an entry in ClinVar:

ClinVar aggregate classification (germline): Uncertain significance. Review status: criteria provided, multiple submitters, no conflicts (2 of 4 stars). 4 submissions from 4 submitters: Uncertain significance (4). Last evaluated 2023-11-02.

Conditions:
Inborn genetic diseases. Identifiers: MedGen C0950123, MeSH D030342.
Intellectual developmental disorder, autosomal dominant 44, with microcephaly. Also called: Micrognathia-recurrent infections-behavioral abnormalities-mild intellectual disability syndrome; TRIO-Related Intellectual Disability. Identifiers: Orphanet 476126, MedGen C4310740, MONDO:0014892, OMIM 617061.

gnomAD v4.1: 2 of 1,604,418 alleles (0.00012%); highest among the groups gnomAD compares: Middle Eastern, 0.017%; no homozygotes.

Submissions (4):

Revvity Omics, Revvity
Classification: Uncertain significance. Last evaluated: 2023-11-02. Review status: criteria provided, single submitter. Criteria: ACMG Guidelines, 2015. Collection method: clinical testing. Allele origin: germline.

Victorian Clinical Genetics Services, Murdoch Childrens Research Institute
Classification: Uncertain significance for Intellectual developmental disorder, autosomal dominant 44, with microcephaly. Last evaluated: 2023-07-17. Review status: criteria provided, single submitter. Criteria: ACMG Guidelines, 2015. Collection method: clinical testing. Allele origin: germline. Inheritance: Autosomal dominant inheritance. Affected: yes.
Comment: Based on the classification scheme VCGS_Germline_v1.3.4, this variant is classified as VUS-3B. Following criteria are met: 0103 - Both loss- and gain-of-function are known mechanisms of disease for this gene. Loss-of-function variants and missense variants within the RhoGEF domain are associated with microcephaly while gain-of-function missense variants within the 7th spectrin repeat are associated with macrocephaly (PMID: 32109419). (I) 0107 - This gene is associated with autosomal dominant disease. (I) 0200 - Variant is predicted to result in a missense amino acid change from serine to phenylalanine. (I) 0251 - This variant is heterozygous. (I) 0301 - Variant is absent from gnomAD (both v2 and v3). (SP) 0309 - An alternative amino acid change at the same position has been observed in gnomAD (v2) (1 heterozygote, 0 homozygotes). (I) 0502 - Missense variant with conflicting in silico predictions and uninformative conservation. (I) 0604 - Variant is not located in an established domain, motif, hotspot or informative constraint region. (I) 0705 - No comparable missense variants have previous evidence for pathogenicity. (I) 0807 - This variant has no previous evidence of pathogenicity. (I) 0905 - No published segregation evidence has been identified for this variant. (I) 1007 - No published functional evidence has been identified for this variant. (I) 1208 - Inheritance information for this variant is not currently available in this individual. (I) Legend: (SP) - Supporting pathogenic, (I) - Information, (SB) - Supporting benign

Blueprint Genetics
Classification: Uncertain significance. Last evaluated: 2022-10-25. Review status: criteria provided, single submitter. Criteria: ACMG Guidelines, 2015. Collection method: clinical testing. Allele origin: germline.

Ambry Genetics
Classification: Uncertain significance for Inborn genetic diseases. Last evaluated: 2022-02-25. Review status: criteria provided, single submitter. Criteria: Ambry Variant Classification Scheme 2023. Collection method: clinical testing. Allele origin: germline.

Literature cited by the submitters: PubMed 32109419 (cited by Victorian Clinical Genetics Services, Murdoch Childrens Research Institute).

NM_007118.4(TRIO):c.7463C>T (p.Ser2488Phe)

Gene: TRIO (trio Rho guanine nucleotide exchange factor; plus strand). Cytogenetic location: 5p15.2.
Variant type: single nucleotide variant.
Coding change: c.7463C>T on transcript NM_007118.4 (MANE Select); coding-DNA position 7463, C replaced by T.
Protein change: p.Ser2488Phe; replaces serine 2488 with phenylalanine.
Molecular consequence: missense variant.
Genome position (GRCh38, 1-based): chr5:14,488,091, C>T. VCF-style: chr5-14488091-C-T. GRCh37 (hg19) VCF-style: chr5-14488200-C-T.
Other names: c.7463C>T (NM_007118.3); short protein forms S2488F.
Identifiers: ClinVar variation 2358711 (VCV002358711.6), dbSNP rs748080841, ClinGen allele CA114003961.